The following is an entry in ClinVar:

ClinVar aggregate classification (germline): Uncertain significance (1 of 4 stars; one submission).

Submission:

GeneDx
Classification: Uncertain significance. Last evaluated: 2022-08-08. Review status: criteria provided, single submitter. Criteria: GeneDx Variant Classification Process June 2021. Collection method: clinical testing. Allele origin: germline. Affected: yes.
Comment: Not observed at significant frequency in large population cohorts (gnomAD); In silico analysis supports that this missense variant has a deleterious effect on protein structure/function; Has not been previously published as pathogenic or benign to our knowledge

NM_002715.4(PPP2CA):c.295C>G (p.Leu99Val)

Gene: PPP2CA (protein phosphatase 2 catalytic subunit alpha; minus strand). Cytogenetic location: 5q31.1.
Variant type: single nucleotide variant.
Coding change: c.295C>G on transcript NM_002715.4 (MANE Select); coding-DNA position 295, C replaced by G.
Protein change: p.Leu99Val; replaces leucine 99 with valine.
Molecular consequence: missense variant. On other transcripts: non-coding transcript variant (1).
Genome position (GRCh38, 1-based): chr5:134,205,939, G>C on the plus strand (C>G on the coding strand, the complement: PPP2CA is on the minus strand). VCF-style: chr5-134205939-G-C. GRCh37 (hg19) VCF-style: chr5-133541630-G-C.
Other names: c.100C>G, p.Leu34Val (NM_001355019.2); short protein forms L34V, L99V.
Identifiers: ClinVar variation 2429609 (VCV002429609.1), dbSNP rs2481058198, ClinGen allele CA360993894.